The following is an entry in ClinVar:

ClinVar aggregate classification (germline): Uncertain significance (1 of 4 stars; one submission).

Allele frequency attached by ClinVar (database versions not stated): TOPMed below 0.00001.
gnomAD v4.1: 1 of 1,614,022 alleles (0.000062%); no homozygotes.

Submission:

Labcorp Genetics (formerly Invitae), Labcorp
Classification: Uncertain significance. Last evaluated: 2022-04-13. Review status: criteria provided, single submitter. Criteria: Invitae Variant Classification Sherloc (09022015). Collection method: clinical testing. Allele origin: germline.
Comment: This sequence change replaces proline, which is neutral and non-polar, with serine, which is neutral and polar, at codon 238 of the COL4A3 protein (p.Pro238Ser). This variant is not present in population databases (gnomAD no frequency). This variant has not been reported in the literature in individuals affected with COL4A3-related conditions. Advanced modeling of protein sequence and biophysical properties (such as structural, functional, and spatial information, amino acid conservation, physicochemical variation, residue mobility, and thermodynamic stability) performed at Invitae indicates that this missense variant is not expected to disrupt COL4A3 protein function. In summary, the available evidence is currently insufficient to determine the role of this variant in disease. Therefore, it has been classified as a Variant of Uncertain Significance.

NM_000091.5(COL4A3):c.712C>T (p.Pro238Ser)

Genes: COL4A3 (collagen type IV alpha 3 chain; plus strand), MFF-DT (MFF divergent transcript; minus strand). Cytogenetic location: 2q36.3.
Variant type: single nucleotide variant.
Coding change: c.712C>T on transcript NM_000091.5 (MANE Select); coding-DNA position 712, C replaced by T.
Protein change: p.Pro238Ser; replaces proline 238 with serine.
Molecular consequence: missense variant.
Genome position (GRCh38, 1-based): chr2:227,253,585, C>T. VCF-style: chr2-227253585-C-T. GRCh37 (hg19) VCF-style: chr2-228118301-C-T.
Other names: short protein forms P238S.
Identifiers: ClinVar variation 2125919 (VCV002125919.1), dbSNP rs1404300672, ClinGen allele CA350864956.
Genomic context (GRCh38, chr2:227,253,585, plus strand): 5'-GTTTATTTTCTCACTCCTGAGTGTTTTTGTCTTTAGGGTGTGAAAGGGTTAACAGGACCC[C>T]CGGGACCACCAGGAACAGTTATTGTGACCCTAACTGGCCCAGATAACAGAACGGTAACTC-3'
Protein context (NP_000082.2, residues 228-248): ERGVKGLTGP[Pro238Ser]GPPGTVIVTL